The following is an entry in ClinVar:

ClinVar aggregate classification (germline): Pathogenic. Review status: criteria provided, multiple submitters, no conflicts (2 of 4 stars). 3 submissions from 3 submitters: Pathogenic (2). 1 of the submissions does not count toward it. Last evaluated 2025-02-23.

Conditions:
C21ORF2 & CFAP410-related disorders.
Axial spondylometaphyseal dysplasia. Also called: AXIAL SMD. Identifiers: Orphanet 168549, MedGen C1865695, MONDO:0011211, OMIM 602271.

Allele frequency attached by ClinVar (database versions not stated): gnomAD exomes 0.00001; TOPMed 0.00001; ExAC 0.00002.
gnomAD v4.1: 10 of 1,609,802 alleles (0.00062%); highest among the groups gnomAD compares: East Asian, 0.0022%; no homozygotes.

Submissions (3):

Labcorp Genetics (formerly Invitae), Labcorp
Classification: Pathogenic. Last evaluated: 2025-02-23. Review status: criteria provided, single submitter. Criteria: Invitae Variant Classification Sherloc (09022015). Collection method: clinical testing. Allele origin: germline.
Comment: This sequence change affects a donor splice site in intron 5 of the CFAP410 gene. RNA analysis indicates that disruption of this splice site induces altered splicing and may result in an absent or altered protein product. This variant is present in population databases (rs778222701, gnomAD 0.003%). Disruption of this splice site has been observed in individuals with CFAP410-related conditions (PMID: 23105016, 26974433). ClinVar contains an entry for this variant (Variation ID: 428578). Studies have shown that disruption of this splice site results in activation of cryptic splice sites, and produces a non-functional protein and/or introduces a premature termination codon (PMID: 26974433). For these reasons, this variant has been classified as Pathogenic.

Blueprint Genetics
Classification: Pathogenic for C21ORF2 & CFAP410-related disorders. Last evaluated: 2024-01-02. Review status: criteria provided, single submitter. Criteria: ACMG Guidelines, 2015. Collection method: clinical testing. Allele origin: germline. Affected: yes. Observed: 5 variant alleles.

OMIM
Classification: Pathogenic for SPONDYLOMETAPHYSEAL DYSPLASIA, AXIAL. Last evaluated: 2015-08-01. Review status: no assertion criteria provided. Collection method: literature only. Allele origin: germline. Not counted in ClinVar's aggregate classification.

Literature cited by the submitters: PubMed 23105016 (cited by Labcorp Genetics (formerly Invitae), Labcorp and OMIM); PubMed 26974433 (cited by Labcorp Genetics (formerly Invitae), Labcorp and OMIM); PubMed 20503334 (cited by OMIM); PubMed 26167768 (cited by OMIM).

NM_004928.3(CFAP410):c.545+1G>A

Gene: CFAP410 (cilia and flagella associated protein 410; minus strand). Cytogenetic location: 21q22.3.
Variant type: single nucleotide variant.
Coding change: c.545+1G>A on transcript NM_004928.3 (MANE Select); the canonical splice donor site of the intron after coding-DNA position 545, G replaced by A.
Molecular consequence: splice donor variant.
Genome position (GRCh38, 1-based): chr21:44,331,842, C>T on the plus strand (G>A on the coding strand, the complement: CFAP410 is on the minus strand). VCF-style: chr21-44331842-C-T. GRCh37 (hg19) VCF-style: chr21-45751725-C-T.
Other names: IVS5DS, G-A, +1; c.545+1G>A (NM_001271440.2, NM_001271441.2); c.422+1G>A (NM_001271442.1).
Identifiers: ClinVar variation 428578 (VCV000428578.10), dbSNP rs778222701, ClinGen allele CA10053635.